The following is an entry in ClinVar:

NM_001267550.2(TTN):c.66463+2_66463+3insTT

Genes: TTN (titin; minus strand), TTN-AS1 (TTN antisense RNA 1; plus strand). Cytogenetic location: 2q31.2.
Variant type: Insertion.
Coding change: c.66463+2_66463+3insTT on transcript NM_001267550.2 (MANE Select); the canonical splice donor site of the intron after coding-DNA position 66463 through 3 bases into the intron after coding-DNA position 66463, TT inserted.
Molecular consequence: splice donor variant.
Genome position: GRCh38 VCF-style: chr2-178581903-T-TAA. GRCh37 (hg19) VCF-style: chr2-179446630-T-TAA.
Other names: c.39268+2_39268+3insTT (NM_003319.4); c.39844+2_39844+3insTT (NM_133437.4); c.39643+2_39643+3insTT (NM_133432.3); c.58759+2_58759+3insTT (NM_133378.4); c.61540+2_61540+3insTT (NM_001256850.1).
Identifiers: ClinVar variation 1736228 (VCV001736228.2), dbSNP rs1276825352, ClinGen allele CA2580064722.

ClinVar aggregate classification (germline): Uncertain significance (1 of 4 stars; one submission).

Conditions:
Cardiovascular phenotype. Identifiers: MedGen CN230736.

Submission:

Ambry Genetics
Classification: Uncertain significance for Cardiovascular phenotype. Last evaluated: 2020-08-18. Review status: criteria provided, single submitter. Criteria: Ambry Variant Classification Scheme 2023. Collection method: clinical testing. Allele origin: germline.
Comment: The c.39268+2_39268+3insTT intronic variant results from an insertion of two nucleotides three nucleotides after coding exon 142 of the TTN gene. This nucleotide region is well conserved in available vertebrate species. Using the BDGP and ESEfinder splice site prediction tools, this alteration is predicted to abolish the native donor splice site; however, direct evidence is unavailable. Since supporting evidence is limited at this time, the clinical significance of this alteration remains unclear.